The following is an entry in ClinVar:

NM_000836.4(GRIN2D):c.2712G>C (p.Pro904=)

Gene: GRIN2D (glutamate ionotropic receptor NMDA type subunit 2D; plus strand). Cytogenetic location: 19q13.33.
Variant type: single nucleotide variant.
Coding change: c.2712G>C on transcript NM_000836.4 (MANE Select); coding-DNA position 2712, G replaced by C.
Protein change: p.Pro904=; no amino-acid change (proline 904 retained).
Molecular consequence: synonymous variant.
Genome position (GRCh38, 1-based): chr19:48,442,638, G>C. VCF-style: chr19-48442638-G-C. GRCh37 (hg19) VCF-style: chr19-48945895-G-C.
Identifiers: ClinVar variation 2650202 (VCV002650202.24), dbSNP rs778517335, ClinGen allele CA309298824.

ClinVar aggregate classification (germline): Likely benign (1 of 4 stars; one submission).

Submission:

CeGaT Center for Human Genetics Tuebingen
Classification: Likely benign. Last evaluated: 2023-12-01. Review status: criteria provided, single submitter. Criteria: CeGaT Center For Human Genetics Tuebingen Variant Classification Criteria Version 2. Collection method: clinical testing. Allele origin: germline. Affected: yes. Observed: 2 variant alleles.
Comment: GRIN2D: PM2:Supporting, BP4, BP7